The following is an entry in ClinVar:

NM_015662.3(IFT172):c.2632A>G (p.Ile878Val)

Genes: IFT172 (intraflagellar transport 172; minus strand), LOC126806174 (CDK7 strongly-dependent group 2 enhancer GRCh37_chr2:27681686-27682885; plus strand). Cytogenetic location: 2p23.3.
Variant type: single nucleotide variant.
Coding change: c.2632A>G on transcript NM_015662.3 (MANE Select); coding-DNA position 2632, A replaced by G.
Protein change: p.Ile878Val; replaces isoleucine 878 with valine.
Molecular consequence: missense variant.
Genome position (GRCh38, 1-based): chr2:27,459,719, T>C on the plus strand (A>G on the coding strand, the complement: IFT172 is on the minus strand). VCF-style: chr2-27459719-T-C. GRCh37 (hg19) VCF-style: chr2-27682586-T-C.
Other names: short protein forms I878V.
Identifiers: ClinVar variation 996141 (VCV000996141.4), dbSNP rs1045778698, ClinGen allele CA44495024.
Genomic context (GRCh38, chr2:27,459,719, plus strand): 5'-TGCCCCTCACTTCACACCTAAATCTCCTTTACATTCCCATACTCCCATACCTGGCTTCGA[T>C]GTAGTGATTAATGGCTGCATCAAGCTGCTTCTGCTGCACCAGGTGGTCCCCCCATGCCTC-3'
Protein context (NP_056477.1, residues 868-888): KQLDAAINHY[Ile878Val]EARCSIKAIE

ClinVar aggregate classification (germline): Uncertain significance. Review status: criteria provided, multiple submitters, no conflicts (2 of 4 stars). 2 submissions from 2 submitters: Uncertain significance (2). Last evaluated 2023-12-27.

Conditions:
Short-rib thoracic dysplasia 10 with or without polydactyly (SRTD10). Identifiers: Orphanet 474, MedGen C3810175, MONDO:0014284, OMIM 615630.
Retinitis pigmentosa 71 (RP71). Identifiers: Orphanet 791, MedGen C4225342, MONDO:0014618, OMIM 616394.
Bardet-Biedl syndrome 20. Identifiers: MedGen C4310707, MONDO:0023670, OMIM 619471, MONDO:0014926.

Allele frequency attached by ClinVar (database versions not stated): gnomAD exomes 0.00001 and below 0.00001; TOPMed 0.00001.
gnomAD v4.1: 14 of 1,612,506 alleles (0.00087%); highest among the groups gnomAD compares: Non-Finnish European, 0.00076%; no homozygotes.

Submissions (2):

Fulgent Genetics
Classification: Uncertain significance for Short-rib thoracic dysplasia 10 with or without polydactyly; Retinitis pigmentosa 71; Bardet-Biedl syndrome 20. Last evaluated: 2023-12-27. Review status: criteria provided, single submitter. Criteria: ACMG Guidelines, 2015. Collection method: clinical testing. Allele origin: germline.

Center for Human Genetics and Genomic Medicine, Uniklinik Rwth Aachen
Classification: Uncertain significance for Short-rib thoracic dysplasia 10 with or without polydactyly. Last evaluated: 2021-02-09. Review status: criteria provided, single submitter. Criteria: ACMG Guidelines, 2015. Collection method: clinical testing. Allele origin: unknown. Inheritance: Autosomal recessive inheritance. Affected: yes.
Comment: The variant (rs1045778698) is listed in gnomAD with a frequency of 0.021% (60/282274) (02/05/2021). In bioinformatics, the change is classified as "probably disease causing" (CADDPhred 25.8, MutationTaster). The variant is currently classified as a "variant of uncertain clinical significance" (ACMG criteria).